The following is an entry in ClinVar:

NM_024422.6(DSC2):c.2313C>T (p.Thr771=)

Gene: DSC2 (desmocollin 2; minus strand). Cytogenetic location: 18q12.1.
Variant type: single nucleotide variant.
Coding change: c.2313C>T on transcript NM_024422.6 (MANE Select); coding-DNA position 2313, C replaced by T.
Protein change: p.Thr771=; no amino-acid change (threonine 771 retained).
Molecular consequence: synonymous variant.
Genome position (GRCh38, 1-based): chr18:31,069,089, G>A on the plus strand (C>T on the coding strand, the complement: DSC2 is on the minus strand). VCF-style: chr18-31069089-G-A. GRCh37 (hg19) VCF-style: chr18-28649055-G-A.
Other names: c.2313C>T, p.Thr771= (NM_004949.5).
Identifiers: ClinVar variation 628497 (VCV000628497.16), dbSNP rs778571921, ClinGen allele CA036177.

ClinVar aggregate classification (germline): Likely benign. Review status: criteria provided, multiple submitters, no conflicts (2 of 4 stars). 6 submissions from 6 submitters: Likely benign (6). Last evaluated 2025-08-05.

Conditions:
Arrhythmogenic right ventricular dysplasia 11. Also called: Arrhythmogenic Right Ventricular Dysplasia/Cardiomyopathy11; ARRHYTHMOGENIC RIGHT VENTRICULAR DYSPLASIA, FAMILIAL, 11; Arrhythmogenic right ventricular dysplasia 11 with mild palmoplantar keratoderma and woolly hair. Identifiers: MedGen C1864850, MONDO:0012506, OMIM 610476.
Cardiovascular phenotype. Identifiers: MedGen CN230736.
Familial isolated arrhythmogenic right ventricular dysplasia. Identifiers: Orphanet 217656, MedGen C4274968, MONDO:0016342.
Cardiomyopathy (CMYO). Also called: Cardiomyopathies. Identifiers: Orphanet 167848, MedGen C0878544, MONDO:0004994, HP:0001638. Inheritance: Various modes of inheritance.

Allele frequency attached by ClinVar (database versions not stated): gnomAD 0.00001; gnomAD exomes 0.00002; TOPMed 0.00002; ExAC 0.00004.
gnomAD v4.1: 35 of 1,613,926 alleles (0.0022%); highest among the groups gnomAD compares: South Asian, 0.0033%; no homozygotes.

Submissions (6):

Labcorp Genetics (formerly Invitae), Labcorp
Classification: Likely benign for Arrhythmogenic right ventricular dysplasia 11. Last evaluated: 2025-08-05. Review status: criteria provided, single submitter. Criteria: Invitae Variant Classification Sherloc (09022015). Collection method: clinical testing. Allele origin: germline.

All of Us Research Program, National Institutes of Health
Classification: Likely benign for Familial isolated arrhythmogenic right ventricular dysplasia. Last evaluated: 2024-01-11. Review status: criteria provided, single submitter. Criteria: ACMG Guidelines, 2015. Collection method: clinical testing. Allele origin: germline. Inheritance: Autosomal dominant inheritance. Observed: 6 variant alleles, 6 heterozygotes.
Comment: This study involves interpretation of variants in research participants for the purpose of population health screening. Participant phenotype was not available at the time of variant classification. Additional details can be found in publication PMID: 35346344, PMCID: PMC8962531

Blueprint Genetics
Classification: Likely benign. Last evaluated: 2023-02-09. Review status: criteria provided, single submitter. Criteria: ACMG Guidelines, 2015. Collection method: clinical testing. Allele origin: germline.

Ambry Genetics
Classification: Likely benign for Cardiovascular phenotype. Last evaluated: 2022-04-09. Review status: criteria provided, single submitter. Criteria: Ambry Variant Classification Scheme 2023. Collection method: clinical testing. Allele origin: germline.

GeneDx
Classification: Likely benign. Last evaluated: 2018-07-03. Review status: criteria provided, single submitter. Criteria: GeneDx Variant Classification Process June 2021. Collection method: clinical testing. Allele origin: germline. Affected: yes.

Color Diagnostics, LLC DBA Color Health
Classification: Likely benign for Cardiomyopathy. Last evaluated: 2018-05-29. Review status: criteria provided, single submitter. Criteria: ACMG Guidelines, 2015. Collection method: clinical testing. Allele origin: germline.